The following is an entry in ClinVar:

NM_005055.5(RAPSN):c.7C>T (p.Gln3Ter)

Gene: RAPSN (receptor associated protein of the synapse; minus strand). Cytogenetic location: 11p11.2.
Variant type: single nucleotide variant.
Coding change: c.7C>T on transcript NM_005055.5 (MANE Select); coding-DNA position 7, C replaced by T.
Protein change: p.Gln3Ter; replaces glutamine 3 with a stop codon.
Molecular consequence: nonsense.
Genome position (GRCh38, 1-based): chr11:47,448,958, G>A on the plus strand (C>T on the coding strand, the complement: RAPSN is on the minus strand). VCF-style: chr11-47448958-G-A. GRCh37 (hg19) VCF-style: chr11-47470510-G-A.
Other names: c.7C>T, p.Gln3Ter (NM_032645.5); short protein forms Q3*.
Identifiers: ClinVar variation 1407552 (VCV001407552.6), dbSNP rs2076433607, ClinGen allele CA380337433.
Genomic context (GRCh38, chr11:47,448,958, plus strand): 5'-CTGTCTGGTTGGACTGGTACAGCTGGAGCCCCTTCTCGATCTGCTGCTTGGTCTGGTCCT[G>A]CCCCATCCTCCCCAAGCCCTGTGTCCCACGTGGGGTGATCCCTGGTGGCTCCGTGCCTCT-3'

ClinVar aggregate classification (germline): Pathogenic (1 of 4 stars; one submission).

Conditions:
Fetal akinesia deformation sequence 1 (FADS1). Also called: Pena-Shokeir syndrome type I; Fetal akinesia sequence. Identifiers: Orphanet 994, MedGen C1276035, MONDO:0100101, OMIM 208150, HP:0001989.
Congenital myasthenic syndrome 11. Also called: Myasthenic syndrome, congenital, 11, associated with acetylcholine receptor deficiency; MYASTHENIC SYNDROME, CONGENITAL, Ie. Identifiers: Orphanet 590, MedGen C4225367, MONDO:0014588, OMIM 616326.

Allele frequency attached by ClinVar (database versions not stated): gnomAD 0.00001.
gnomAD v4.1: 1 of 1,614,104 alleles (0.000062%); highest among the groups gnomAD compares: African/African-American, 0.0013%; no homozygotes.

Submission:

Labcorp Genetics (formerly Invitae), Labcorp
Classification: Pathogenic for Congenital myasthenic syndrome 11; Fetal akinesia deformation sequence 1. Last evaluated: 2021-04-04. Review status: criteria provided, single submitter. Criteria: Invitae Variant Classification Sherloc (09022015). Collection method: clinical testing. Allele origin: germline.
Comment: For these reasons, this variant has been classified as Pathogenic. Algorithms developed to predict the effect of sequence changes on RNA splicing suggest that this variant may create or strengthen a splice site, but this prediction has not been confirmed by published transcriptional studies. This variant has not been reported in the literature in individuals with RAPSN-related conditions. This variant is not present in population databases (ExAC no frequency). This sequence change creates a premature translational stop signal (p.Gln3*) in the RAPSN gene. It is expected to result in an absent or disrupted protein product. Loss-of-function variants in RAPSN are known to be pathogenic (PMID: 17686188).

Literature cited by the submitters: PubMed 17686188.